The following is an entry in ClinVar:

ClinVar aggregate classification (germline): Conflicting classifications of pathogenicity. Review status: criteria provided, conflicting classifications (1 of 4 stars). 2 submissions from 2 submitters: Uncertain significance (1); Likely benign (1). Last evaluated 2025-01-17.

Conditions:
PHIP-related disorder. Also called: PHIP-related disorders; PHIP-related condition.

Allele frequency attached by ClinVar (database versions not stated): ExAC 0.00001; gnomAD exomes 0.00001; TOPMed 0.00005; gnomAD 0.00006.
gnomAD v4.1: 18 of 1,555,484 alleles (0.0012%); highest among the groups gnomAD compares: African/African-American, 0.016%; no homozygotes.

Submissions (2):

PreventionGenetics, part of Exact Sciences
Classification: Uncertain significance for PHIP-related condition. Last evaluated: 2025-01-17. Review status: criteria provided, single submitter. Criteria: ACMG Guidelines, 2015. Collection method: clinical testing. Allele origin: germline.
Comment: The PHIP c.4135A>G variant is predicted to result in the amino acid substitution p.Met1379Val. To our knowledge, this variant has not been reported in the literature. This variant is reported in 0.020% of alleles in individuals of African descent in gnomAD. Although we suspect that this variant may be benign, at this time, the clinical significance of this variant is uncertain due to the absence of conclusive functional and genetic evidence.

Labcorp Genetics (formerly Invitae), Labcorp
Classification: Likely benign. Last evaluated: 2023-06-11. Review status: criteria provided, single submitter. Criteria: Invitae Variant Classification Sherloc (09022015). Collection method: clinical testing. Allele origin: germline.

NM_017934.7(PHIP):c.4135A>G (p.Met1379Val)

Genes: IRAK1BP1 (interleukin 1 receptor associated kinase 1 binding protein 1; plus strand), PHIP (PHIP subunit of CUL4-Ring ligase complex; minus strand). Cytogenetic location: 6q14.1.
Variant type: single nucleotide variant.
Coding change: c.4135A>G on transcript NM_017934.7 (MANE Select); coding-DNA position 4135, A replaced by G.
Protein change: p.Met1379Val; replaces methionine 1379 with valine.
Molecular consequence: missense variant.
Genome position (GRCh38, 1-based): chr6:78,947,694, T>C on the plus strand (A>G on the coding strand, the complement: PHIP is on the minus strand). VCF-style: chr6-78947694-T-C. GRCh37 (hg19) VCF-style: chr6-79657411-T-C.
Other names: c.4135A>G (NM_017934.6); short protein forms M1379V.
Identifiers: ClinVar variation 2187667 (VCV002187667.6), dbSNP rs751404890, ClinGen allele CA3899518.